The following is an entry in ClinVar:

ClinVar aggregate classification (germline): Likely pathogenic. Review status: criteria provided, multiple submitters, no conflicts (2 of 4 stars). 2 submissions from 2 submitters: Likely pathogenic (2). Last evaluated 2022-09-27.

Conditions:
Autosomal dominant childhood-onset proximal spinal muscular atrophy without contractures. Also called: KUGELBERG-WELANDER SYNDROME, AUTOSOMAL DOMINANT; SPINAL MUSCULAR ATROPHY, JUVENILE, PROXIMAL, AUTOSOMAL DOMINANT; Spinal muscular atrophy, lower extremity-predominant 1, AD; SPINAL MUSCULAR ATROPHY, CHILDHOOD, PROXIMAL, AUTOSOMAL DOMINANT. Identifiers: Orphanet 209341, Orphanet 363447, MedGen C5780022, MONDO:0008026, OMIM 158600.

Submissions (2):

GeneDx
Classification: Likely pathogenic. Last evaluated: 2022-09-27. Review status: criteria provided, single submitter. Criteria: GeneDx Variant Classification Process June 2021. Collection method: clinical testing. Allele origin: germline. Affected: yes.
Comment: Not observed at significant frequency in large population cohorts (gnomAD); In silico analysis supports that this missense variant has a deleterious effect on protein structure/function; Has not been previously published as pathogenic or benign to our knowledge; This variant is associated with the following publications: (PMID: 25512093, 25609763, 26100331)

Mendelics
Classification: Likely pathogenic for Autosomal dominant childhood-onset proximal spinal muscular atrophy without contractures. Last evaluated: 2022-05-04. Review status: criteria provided, single submitter. Criteria: Mendelics Assertion Criteria 2019. Collection method: clinical testing. Allele origin: germline.

NM_001376.5(DYNC1H1):c.791G>C (p.Arg264Pro)

Gene: DYNC1H1 (dynein cytoplasmic 1 heavy chain 1; plus strand). Cytogenetic location: 14q32.31.
Variant type: single nucleotide variant.
Coding change: c.791G>C on transcript NM_001376.5 (MANE Select); coding-DNA position 791, G replaced by C.
Protein change: p.Arg264Pro; replaces arginine 264 with proline.
Molecular consequence: missense variant.
Genome position (GRCh38, 1-based): chr14:101,980,380, G>C. VCF-style: chr14-101980380-G-C. GRCh37 (hg19) VCF-style: chr14-102446717-G-C.
Other names: c.791G>C (NM_001376.4); short protein forms R264P.
Identifiers: ClinVar variation 1685305 (VCV001685305.2), dbSNP rs713993043, ClinGen allele CA391009513.